The following is an entry in ClinVar:

ClinVar aggregate classification (germline): Pathogenic. Review status: criteria provided, multiple submitters, no conflicts (2 of 4 stars). 6 submissions from 6 submitters: Pathogenic (6). Last evaluated 2025-04-20.

Conditions:
Neurofibromatosis, type 1 (NF1). Also called: VON RECKLINGHAUSEN DISEASE; NEUROFIBROMATOSIS, TYPE I, SOMATIC; Peripheral type neurofibromatosis; Neurofibromatosis, type I. Identifiers: Orphanet 636, MedGen C0027831, MONDO:0018975, OMIM 162200. Disease mechanism: loss of function.
Cardiovascular phenotype. Identifiers: MedGen CN230736.
Hereditary cancer-predisposing syndrome. Also called: Hereditary Cancer Syndrome; Hereditary neoplastic syndrome; Tumor predisposition; Neoplastic Syndromes, Hereditary. Identifiers: Orphanet 140162, MedGen C0027672, MeSH D009386, MONDO:0015356.

Submissions (6):

Labcorp Genetics (formerly Invitae), Labcorp
Classification: Pathogenic for Neurofibromatosis, type 1. Last evaluated: 2025-04-20. Review status: criteria provided, single submitter. Criteria: Invitae Variant Classification Sherloc (09022015). Collection method: clinical testing. Allele origin: germline.
Comment: This sequence change creates a premature translational stop signal (p.Tyr628Leufs*6) in the NF1 gene. It is expected to result in an absent or disrupted protein product. Loss-of-function variants in NF1 are known to be pathogenic (PMID: 10712197, 23913538). This variant is not present in population databases (gnomAD no frequency). This premature translational stop signal has been observed in individual(s) with clinical features of neurofibromatosis type 1 (PMID: 16835897). Invitae Evidence Modeling of clinical and family history, age, sex, and reported ancestry of multiple individuals with this NF1 variant has been performed. This variant is expected to be pathogenic with a positive predictive value of at least 99%. This is a validated machine learning model that incorporates the clinical features of 1,785,918 individuals referred to our laboratory for NF1 testing. This variant is also known as c.1881_1882insT. ClinVar contains an entry for this variant (Variation ID: 457553). For these reasons, this variant has been classified as Pathogenic.

Ambry Genetics
Classification: Pathogenic for Cardiovascular phenotype; Hereditary cancer-predisposing syndrome. Last evaluated: 2025-02-03. Review status: criteria provided, single submitter. Criteria: Ambry Variant Classification Scheme 2023. Collection method: clinical testing. Allele origin: germline.
Comment: The c.1882dupT pathogenic mutation, located in coding exon 17 of the NF1 gene, results from a duplication of T at nucleotide position 1882, causing a translational frameshift with a predicted alternate stop codon (p.Y628Lfs*6). This alteration has been identified in multiple individuals with a clinical diagnosis of Neurofibromatosis Type 1 (NF1) (Xu W et al. Int J Mol Med, 2014 Jul;34:53-60; Xu M et al. Front Genet, 2018 Jul;9:270). Additionally, this alteration was identified in an individual with cafe au lait macules (Castellanos E et al. Clin Genet, 2020 02;97:264-275). Of note, this alteration is also designated as "c.1877dupT" in published literature. In addition to the clinical data presented in the literature, this alteration is expected to result in loss of function by premature protein truncation or nonsense-mediated mRNA decay. As such, this alteration is interpreted as a disease-causing mutation.

GeneDx
Classification: Pathogenic. Last evaluated: 2024-09-25. Review status: criteria provided, single submitter. Criteria: GeneDx Variant Classification Process June 2021. Collection method: clinical testing. Allele origin: germline. Affected: yes.
Comment: Frameshift variant predicted to result in protein truncation or nonsense mediated decay in a gene for which loss of function is a known mechanism of disease; Not observed at significant frequency in large population cohorts (gnomAD); This variant is associated with the following publications: (PMID: 36760809, 16835897)

Genome-Nilou Lab
Classification: Pathogenic for Neurofibromatosis, type 1. Last evaluated: 2022-03-15. Review status: criteria provided, single submitter. Criteria: ACMG Guidelines, 2015. Collection method: clinical testing. Allele origin: germline. Affected: no.

Genome Diagnostics Laboratory, The Hospital for Sick Children
Classification: Pathogenic for Neurofibromatosis, type 1. Last evaluated: 2020-10-26. Review status: criteria provided, single submitter. Criteria: ACMG Guidelines, 2015. Collection method: clinical testing. Allele origin: germline. Affected: yes.

Centre for Mendelian Genomics, University Medical Centre Ljubljana
Classification: Pathogenic for Neurofibromatosis, type 1. Last evaluated: 2019-04-11. Review status: criteria provided, single submitter. Criteria: ACMG Guidelines, 2015. Collection method: clinical testing. Allele origin: unknown. Affected: yes.
Comment: This variant was classified as: Pathogenic. The following ACMG criteria were applied in classifying this variant: PVS1,PS1,PM2,PP4.

Literature cited by the submitters: PubMed 10712197 (cited by Labcorp Genetics (formerly Invitae), Labcorp); PubMed 23913538 (cited by Labcorp Genetics (formerly Invitae), Labcorp); PubMed 16835897 (cited by Labcorp Genetics (formerly Invitae), Labcorp); PubMed 24789688 (cited by Ambry Genetics); PubMed 30087692 (cited by Ambry Genetics); PubMed 31573083 (cited by Ambry Genetics).

NM_001042492.3(NF1):c.1882dup (p.Tyr628fs)

Gene: NF1 (neurofibromin 1; plus strand). Cytogenetic location: 17q11.2.
Variant type: Duplication.
Coding change: c.1882dup on transcript NM_001042492.3 (MANE Select); coding-DNA position 1882, one base duplicated (T; older notation c.1882dupT).
Protein change: p.Tyr628fs; shifts the reading frame from tyrosine 628.
Molecular consequence: frameshift variant.
Genome position (GRCh38, 1-based): chr17:31,225,131, T duplicated; the last of 6 consecutive T bases (chr17:31,225,126-31,225,131); duplicating any one gives the same sequence. VCF-style (leftmost placement, unchanged base first): chr17-31225125-C-CT. GRCh37 (hg19) VCF-style: chr17-29552143-C-CT.
Other names: c.1882dupT (NM_001042492.2, NM_000267.3); c.1882dup, p.Tyr628Leufs (NM_000267.4); short protein forms Y628fs.
Identifiers: ClinVar variation 457553 (VCV000457553.19), dbSNP rs1555613558, ClinGen allele CA499231071.